The following is an entry in ClinVar:

ClinVar aggregate classification (germline): Uncertain significance (1 of 4 stars; one submission).

Conditions:
Familial sleep-related hypermotor epilepsy. Also called: Autosomal Dominant Sleep-Related Hypermotor (Hyperkinetic) Epilepsy. Identifiers: Orphanet 98784, MedGen C3696898, MONDO:0000030.

Submission:

Labcorp Genetics (formerly Invitae), Labcorp
Classification: Uncertain significance. Last evaluated: 2023-02-26. Review status: criteria provided, single submitter. Criteria: Invitae Variant Classification Sherloc (09022015). Collection method: clinical testing. Allele origin: germline.
Comment: Advanced modeling of protein sequence and biophysical properties (such as structural, functional, and spatial information, amino acid conservation, physicochemical variation, residue mobility, and thermodynamic stability) performed at Invitae indicates that this missense variant is expected to disrupt CHRNA2 protein function. This sequence change replaces alanine, which is neutral and non-polar, with proline, which is neutral and non-polar, at codon 93 of the CHRNA2 protein (p.Ala93Pro). This variant is not present in population databases (gnomAD no frequency). This variant has not been reported in the literature in individuals affected with CHRNA2-related conditions. In summary, the available evidence is currently insufficient to determine the role of this variant in disease. Therefore, it has been classified as a Variant of Uncertain Significance.

NM_000742.4(CHRNA2):c.277G>C (p.Ala93Pro)

Gene: CHRNA2 (cholinergic receptor nicotinic alpha 2 subunit; minus strand). Cytogenetic location: 8p21.2.
Variant type: single nucleotide variant.
Coding change: c.277G>C on transcript NM_000742.4 (MANE Select); coding-DNA position 277, G replaced by C.
Protein change: p.Ala93Pro; replaces alanine 93 with proline.
Molecular consequence: missense variant. On other transcripts: 5 prime UTR variant (2), intron variant (3).
Genome position (GRCh38, 1-based): chr8:27,469,778, C>G on the plus strand (G>C on the coding strand, the complement: CHRNA2 is on the minus strand). VCF-style: chr8-27469778-C-G. GRCh37 (hg19) VCF-style: chr8-27327295-C-G.
Other names: c.-196G>C (NM_001347706.2); c.-185G>C (NM_001347708.2); c.-179+28G>C (NM_001347705.2); c.249+28G>C (NM_001282455.2); c.-165+28G>C (NM_001347707.2); short protein forms A93P.
Identifiers: ClinVar variation 2840997 (VCV002840997.3), dbSNP rs751049729, ClinGen allele CA370812853.